The following is an entry in ClinVar:

ClinVar aggregate classification (germline): Likely pathogenic (1 of 4 stars; one submission).

Conditions:
Nemaline myopathy 2 (NEM2). Also called: Nemaline myopathy 2, autosomal recessive. Identifiers: MedGen C1850569, MONDO:0009725, OMIM 256030.

Submission:

Labcorp Genetics (formerly Invitae), Labcorp
Classification: Likely pathogenic for Nemaline myopathy 2. Last evaluated: 2019-02-06. Review status: criteria provided, single submitter. Criteria: Invitae Variant Classification Sherloc (09022015). Collection method: clinical testing. Allele origin: germline.
Comment: This variant is a deletion of the genomic region encompassing part of exon 26 and all of exon 27 (c.2471_2638-456del) of the NEB gene. It is expected to disrupt RNA splicing and likely results in an absent or disrupted protein product. This variant has not been reported in the literature in individuals with NEB-related conditions. Loss-of-function variants in NEB are known to be pathogenic (PMID: 25205138). In summary, the currently available evidence indicates that the variant is pathogenic, but additional data are needed to prove that conclusively. Therefore, this variant has been classified as Likely Pathogenic.

NM_001164508.2(NEB):c.2472_2638-455del

Gene: NEB (nebulin; minus strand). Cytogenetic location: 2q23.3.
Variant type: Deletion.
Coding change: c.2472_2638-455del on transcript NM_001164508.2 (MANE Select); coding-DNA position 2472 through 455 bases into the intron before coding-DNA position 2638, 2,248 bases deleted.
Molecular consequence: splice acceptor variant, splice donor variant.
Genome position (GRCh38, 1-based): chr2:151,685,430-151,687,677, 2,248 bases deleted. GRCh37 (hg19): chr2:152,541,945-152,544,192.
Other names: c.2472_2638-455del (NM_001164507.2, NM_001271208.2, NM_004543.5).
Identifiers: ClinVar variation 847953 (VCV000847953.1), ClinGen allele CA916080297.